The following is an entry in ClinVar:

NM_006084.5(IRF9):c.350C>A (p.Pro117Gln)

Gene: IRF9 (interferon regulatory factor 9; plus strand). Cytogenetic location: 14q12.
Variant type: single nucleotide variant.
Coding change: c.350C>A on transcript NM_006084.5 (MANE Select); coding-DNA position 350, C replaced by A.
Protein change: p.Pro117Gln; replaces proline 117 with glutamine.
Molecular consequence: missense variant.
Genome position (GRCh38, 1-based): chr14:24,163,135, C>A. VCF-style: chr14-24163135-C-A. GRCh37 (hg19) VCF-style: chr14-24632344-C-A.
Other names: c.350C>A, p.Pro117Gln (NM_001385400.1, NM_001385401.1, NM_001385402.1); short protein forms P117Q.
Identifiers: ClinVar variation 2818615 (VCV002818615.3), dbSNP rs2502039477, ClinGen allele CA389202940.

ClinVar aggregate classification (germline): Uncertain significance (1 of 4 stars; one submission).

Submission:

Labcorp Genetics (formerly Invitae), Labcorp
Classification: Uncertain significance. Last evaluated: 2024-09-05. Review status: criteria provided, single submitter. Criteria: Invitae Variant Classification Sherloc (09022015). Collection method: clinical testing. Allele origin: germline.
Comment: This sequence change replaces proline, which is neutral and non-polar, with glutamine, which is neutral and polar, at codon 117 of the IRF9 protein (p.Pro117Gln). This variant is not present in population databases (gnomAD no frequency). This variant has not been reported in the literature in individuals affected with IRF9-related conditions. An algorithm developed to predict the effect of missense changes on protein structure and function outputs the following: PolyPhen-2: "Benign". The glutamine amino acid residue is found in multiple mammalian species, which suggests that this missense change does not adversely affect protein function. In summary, the available evidence is currently insufficient to determine the role of this variant in disease. Therefore, it has been classified as a Variant of Uncertain Significance.